The following is an entry in ClinVar:

NM_013319.3(UBIAD1):c.*18C>T

Gene: UBIAD1 (UbiA prenyltransferase domain containing 1; plus strand). Cytogenetic location: 1p36.22.
Variant type: single nucleotide variant.
Coding change: c.*18C>T on transcript NM_013319.3 (MANE Select); 18 bases downstream of the stop codon, C replaced by T.
Molecular consequence: 3 prime UTR variant. On other transcripts: intron variant (2).
Genome position (GRCh38, 1-based): chr1:11,286,149, C>T. VCF-style: chr1-11286149-C-T. GRCh37 (hg19) VCF-style: chr1-11346206-C-T.
Other names: c.618+417C>T (NM_001330349.2); c.530-8724C>T (NM_001330350.2).
Identifiers: ClinVar variation 291870 (VCV000291870.5), dbSNP rs191663672, ClinGen allele CA591272.

ClinVar aggregate classification (germline): Benign (1 of 4 stars; one submission).

Conditions:
Schnyder crystalline corneal dystrophy (SCCD). Also called: Crystalline corneal dystrophy; Schnyder corneal dystrophy. Identifiers: Orphanet 98967, MedGen C0271287, MONDO:0007374, OMIM 121800.

Allele frequency attached by ClinVar (database versions not stated): ExAC 0.00038; TOPMed 0.00157; 1000 Genomes Project 30x 0.00109; ESP Exome Variant Server 0.00123; gnomAD 0.00162; gnomAD exomes 0.00037; 1000 Genomes Project 0.00080.
gnomAD v4.1: 437 of 1,614,116 alleles (0.027%); highest among the groups gnomAD compares: African/African-American, 0.48%; 3 homozygotes.

Submission:

Illumina Laboratory Services, Illumina
Classification: Benign for Schnyder crystalline corneal dystrophy. Last evaluated: 2018-01-13. Review status: criteria provided, single submitter. Criteria: ICSL Variant Classification Criteria 13 December 2019. Collection method: clinical testing. Allele origin: germline.
Comment: This variant was observed in the ICSL laboratory as part of a predisposition screen in an ostensibly healthy population. It had not been previously curated by ICSL or reported in the Human Gene Mutation Database (HGMD: prior to June 1st, 2018), and was therefore a candidate for classification through an automated scoring system. Utilizing variant allele frequency, disease prevalence and penetrance estimates, and inheritance mode, an automated score was calculated to assess if this variant is too frequent to cause the disease. Based on the score and internal cut-off values, a variant classified as benign is not then subjected to further curation. The score for this variant resulted in a classification of benign for this disease.